The following is an entry in ClinVar:

NM_000428.3(LTBP2):c.3341C>T (p.Ser1114Phe)

Gene: LTBP2 (latent transforming growth factor beta binding protein 2; minus strand). Cytogenetic location: 14q24.3.
Variant type: single nucleotide variant.
Coding change: c.3341C>T on transcript NM_000428.3 (MANE Select); coding-DNA position 3341, C replaced by T.
Protein change: p.Ser1114Phe; replaces serine 1114 with phenylalanine.
Molecular consequence: missense variant.
Genome position (GRCh38, 1-based): chr14:74,509,300, G>A on the plus strand (C>T on the coding strand, the complement: LTBP2 is on the minus strand). VCF-style: chr14-74509300-G-A. GRCh37 (hg19) VCF-style: chr14-74976003-G-A.
Other names: short protein forms S1114F.
Identifiers: ClinVar variation 1520610 (VCV001520610.5), dbSNP rs766354342, ClinGen allele CA7269206.

ClinVar aggregate classification (germline): Uncertain significance (1 of 4 stars; one submission).

Allele frequency attached by ClinVar (database versions not stated): gnomAD exomes 0.00001 and 0.00003; ExAC 0.00002; gnomAD 0.00002; TOPMed 0.00006.

Submission:

Labcorp Genetics (formerly Invitae), Labcorp
Classification: Uncertain significance. Last evaluated: 2024-10-08. Review status: criteria provided, single submitter. Criteria: Invitae Variant Classification Sherloc (09022015). Collection method: clinical testing. Allele origin: germline.
Comment: This sequence change replaces serine, which is neutral and polar, with phenylalanine, which is neutral and non-polar, at codon 1114 of the LTBP2 protein (p.Ser1114Phe). This variant is present in population databases (rs766354342, gnomAD 0.01%). This variant has not been reported in the literature in individuals affected with LTBP2-related conditions. ClinVar contains an entry for this variant (Variation ID: 1520610). An algorithm developed to predict the effect of missense changes on protein structure and function (PolyPhen-2) suggests that this variant is likely to be disruptive. In summary, the available evidence is currently insufficient to determine the role of this variant in disease. Therefore, it has been classified as a Variant of Uncertain Significance.